The following is an entry in ClinVar:

ClinVar aggregate classification (germline): Pathogenic/Likely pathogenic. Review status: criteria provided, multiple submitters, no conflicts (2 of 4 stars). 7 submissions from 7 submitters: Pathogenic (5); Likely pathogenic (1). 1 of the submissions does not count toward it. Last evaluated 2024-01-01.

Conditions:
Developmental and epileptic encephalopathy. Identifiers: MedGen C5779964, MONDO:0100620.
Progressive myoclonic epilepsy type 7. Identifiers: Orphanet 435438, MedGen C4015420, MONDO:0014521, OMIM 616187.

Submissions (7):

Unidad de Genómica Garrahan, Hospital de Pediatría Garrahan
Classification: Pathogenic for Developmental and epileptic encephalopathy. Last evaluated: 2024-01-01. Review status: criteria provided, single submitter. Criteria: ACMG Guidelines, 2015. Collection method: clinical testing. Allele origin: germline. Affected: yes. Observed: 1 variant allele.
Comment: ACMG/AMP criteria applied: PS2_strong, PS3_supporting, PM2_moderate, PP2_supporting, PP3_moderate.

Women's Health and Genetics/Laboratory Corporation of America, LabCorp
Classification: Pathogenic for Progressive myoclonic epilepsy type 7. Last evaluated: 2023-09-05. Review status: criteria provided, single submitter. Criteria: LabCorp Variant Classification Summary - May 2015. Collection method: clinical testing. Allele origin: germline.
Comment: Variant summary: KCNC1 c.1262C>T (p.Ala421Val) results in a non-conservative amino acid change located in the Ion transport domain (IPR005821) of the encoded protein sequence. Five of five in-silico tools predict a damaging effect of the variant on protein function. The variant was absent in 250990 control chromosomes. c.1262C>T, arising de novo, has been reported in the literature in multiple individuals affected with Epilepsy or Progressive Myoclonic Epilepsy 7 (examples, Kim_2021, Cameron_2019, Park_2019, Zhang_2019). These data indicate that the variant is very likely to be associated with disease. At least two publications report experimental evidence evaluating an impact on protein function, both of which suggest a loss-of-function effect of this variant (Cameron_2019, Park_2019). The following publications have been ascertained in the context of this evaluation (PMID: 31353855, 33349918, 31353862, 31216804). Four submitters have cited clinical-significance assessments for this variant to ClinVar after 2014. All submitters classified the variant as pathogenic/likely pathogenic. Based on the evidence outlined above, the variant was classified as pathogenic.

GeneDx
Classification: Pathogenic. Last evaluated: 2022-11-11. Review status: criteria provided, single submitter. Criteria: GeneDx Variant Classification Process June 2021. Collection method: clinical testing. Allele origin: germline. Affected: yes.
Comment: Published functional studies demonstrate that p.(A421V) significantly affects Kv3.1 potassium channel function (Park et al., 2019; Cameron et al., 2019); Not observed at significant frequency in large population cohorts (gnomAD); In silico analysis supports that this missense variant has a deleterious effect on protein structure/function; This variant is associated with the following publications: (PMID: 31216804, 32695065, 31785789, 33349918, Zhang2020[casereport], 33735526, 35618197, 31932120, 34733949, 33725338, 35840580, 34448338, 32655623, 31353862, 31353855)

Labcorp Genetics (formerly Invitae), Labcorp
Classification: Pathogenic for Progressive myoclonic epilepsy type 7. Last evaluated: 2022-08-02. Review status: criteria provided, single submitter. Criteria: Invitae Variant Classification Sherloc (09022015). Collection method: clinical testing. Allele origin: germline.
Comment: For these reasons, this variant has been classified as Pathogenic. This sequence change replaces alanine, which is neutral and non-polar, with valine, which is neutral and non-polar, at codon 421 of the KCNC1 protein (p.Ala421Val). This variant is not present in population databases (gnomAD no frequency). This missense change has been observed in individual(s) with clinical features of KCNC1-related disorder (PMID: 31353855, 31353862). In at least one individual the variant was observed to be de novo. ClinVar contains an entry for this variant (Variation ID: 488536). Advanced modeling of protein sequence and biophysical properties (such as structural, functional, and spatial information, amino acid conservation, physicochemical variation, residue mobility, and thermodynamic stability) performed at Invitae indicates that this missense variant is expected to disrupt KCNC1 protein function. Experimental studies have shown that this missense change affects KCNC1 function (PMID: 31353855, 31353862).

Institute of Human Genetics Munich, TUM University Hospital
Classification: Likely pathogenic for Progressive myoclonic epilepsy type 7. Last evaluated: 2017-11-16. Review status: criteria provided, single submitter. Criteria: Classification criteria August 2017. Collection method: clinical testing. Allele origin: de novo. Inheritance: Autosomal dominant inheritance. Affected: yes. Observed: 1 heterozygote.

Neuberg Centre For Genomic Medicine, NCGM
Classification: Pathogenic for Progressive myoclonic epilepsy type 7. Review status: criteria provided, single submitter. Criteria: ACMG Guidelines, 2015. Collection method: clinical testing. Allele origin: germline. Inheritance: Autosomal dominant inheritance. Affected: yes.
Comment: The observed missense variant c.1262C>T(p.Ala421Val) in KCNC1 gene has been reported previously in heterozygous state in multiple individuals with KCNC1-related disorders (Cameron JM, et al., 2019, Park J, et al., 2019). Experimental studies have shown that this missense change affects KCNC1 function (Cameron JM, et al., 2019). The c.1262C>T variant is absent in gnomAD Exomes. This variant has been reported to the ClinVar database as Likely Pathogenic/Pathogenic (multiple submissions). The amino acid Alanine at position 421 is changed to a Valine changing protein sequence and it might alter its composition and physico-chemical properties. The variant is predicted to be damaging by SIFT. The amino acid change p.Ala421Val in KCNC1 is predicted as conserved by GERP++ and PhyloP across 100 vertebrates. For these reasons, this variant has been classified as Pathogenic.

Laboratory of Molecular Genetics (Pr. Bezieau's lab), CHU de Nantes
Classification: Pathogenic. Last evaluated: 2016-11-24. Review status: no assertion criteria provided. Collection method: clinical testing. Allele origin: germline. Affected: yes. Not counted in ClinVar's aggregate classification.

Literature cited by the submitters: PubMed 31353855 (cited by Women's Health and Genetics/Laboratory Corporation of America, LabCorp and Labcorp Genetics (formerly Invitae), Labcorp); PubMed 33349918 (cited by Women's Health and Genetics/Laboratory Corporation of America, LabCorp); PubMed 31353862 (cited by Women's Health and Genetics/Laboratory Corporation of America, LabCorp and Labcorp Genetics (formerly Invitae), Labcorp); PubMed 31216804 (cited by Women's Health and Genetics/Laboratory Corporation of America, LabCorp).

NM_001112741.2(KCNC1):c.1262C>T (p.Ala421Val)

Gene: KCNC1 (potassium voltage-gated channel subfamily C member 1; plus strand). Cytogenetic location: 11p15.1.
Variant type: single nucleotide variant.
Coding change: c.1262C>T on transcript NM_001112741.2 (MANE Select); coding-DNA position 1262, C replaced by T.
Protein change: p.Ala421Val; replaces alanine 421 with valine.
Molecular consequence: missense variant.
Genome position (GRCh38, 1-based): chr11:17,772,356, C>T. VCF-style: chr11-17772356-C-T. GRCh37 (hg19) VCF-style: chr11-17793903-C-T.
Other names: NP_001106212.1:p.(Ala421Val); c.1262C>T, p.Ala421Val (NM_004976.4); short protein forms A421V.
Identifiers: ClinVar variation 488536 (VCV000488536.19), dbSNP rs1554991378, ClinGen allele CA379808875.